The following is an entry in ClinVar:

ClinVar aggregate classification (germline): Uncertain significance (1 of 4 stars; one submission).

Conditions:
Febrile seizures, familial, 11 (FEB11). Also called: CONVULSIONS, FAMILIAL FEBRILE, 11. Identifiers: MedGen C3280734, MONDO:0024566, OMIM 614418.

Submission:

Labcorp Genetics (formerly Invitae), Labcorp
Classification: Uncertain significance for Febrile seizures, familial, 11. Last evaluated: 2022-02-03. Review status: criteria provided, single submitter. Criteria: Invitae Variant Classification Sherloc (09022015). Collection method: clinical testing. Allele origin: germline.
Comment: In summary, the available evidence is currently insufficient to determine the role of this variant in disease. Therefore, it has been classified as a Variant of Uncertain Significance. This variant has not been reported in the literature in individuals affected with CPA6-related conditions. This variant is a gross deletion of the genomic region encompassing exon(s) 9-11 of the CPA6 gene, which includes the termination codon. This deletion extends beyond the assayed region for this gene and therefore may encompass additional genes. While this deletion is not anticipated to lead to nonsense mediated decay, it is expected to alter mRNA translation or result in a truncated protein product.

NC_000008.11:g.(?_67422484)_(67434260_?)dup

Gene: CPA6 (carboxypeptidase A6; minus strand). Cytogenetic location: 8q13.2.
Variant type: Duplication.
Identifiers: ClinVar variation 831263 (VCV000831263.6).